The following is an entry in ClinVar:

ClinVar aggregate classification (germline): Pathogenic (1 of 4 stars; one submission).

Submission:

Labcorp Genetics (formerly Invitae), Labcorp
Classification: Pathogenic. Last evaluated: 2021-12-26. Review status: criteria provided, single submitter. Criteria: Invitae Variant Classification Sherloc (09022015). Collection method: clinical testing. Allele origin: germline.
Comment: This variant has not been reported in the literature in individuals affected with TPRN-related conditions. The frequency data for this variant in the population databases is considered unreliable, as metrics indicate insufficient coverage at this position in the gnomAD database. This sequence change creates a premature translational stop signal (p.Pro182Serfs*48) in the TPRN gene. It is expected to result in an absent or disrupted protein product. Loss-of-function variants in TPRN are known to be pathogenic (PMID: 20170898, 20170899). For these reasons, this variant has been classified as Pathogenic.

Literature cited by the submitters: PubMed 20170898; PubMed 20170899.

NM_001128228.3(TPRN):c.543_544insT (p.Pro182fs)

Gene: TPRN (taperin; minus strand). Cytogenetic location: 9q34.3.
Variant type: Insertion.
Coding change: c.543_544insT on transcript NM_001128228.3 (MANE Select); coding-DNA positions 543 to 544, T inserted.
Protein change: p.Pro182fs; shifts the reading frame from proline 182.
Molecular consequence: frameshift variant.
Genome position: GRCh38 VCF-style: chr9-137200168-G-GA. GRCh37 (hg19) VCF-style: chr9-140094620-G-GA.
Other names: short protein forms P182fs.
Identifiers: ClinVar variation 2061517 (VCV002061517.4), dbSNP rs2538731287, ClinGen allele CA2580081099.